The following is an entry in ClinVar:

ClinVar aggregate classification (germline): Uncertain significance. Review status: criteria provided, multiple submitters, no conflicts (2 of 4 stars). 2 submissions from 2 submitters: Uncertain significance (2). Last evaluated 2024-01-15.

Allele frequency attached by ClinVar (database versions not stated): ESP Exome Variant Server 0.00008; TOPMed 0.00009; gnomAD exomes 0.00014; gnomAD 0.00019; ExAC 0.00021.
gnomAD v4.1: 226 of 1,614,032 alleles (0.014%); highest among the groups gnomAD compares: East Asian, 0.053%; no homozygotes.

Submissions (2):

Labcorp Genetics (formerly Invitae), Labcorp
Classification: Uncertain significance. Last evaluated: 2024-01-15. Review status: criteria provided, single submitter. Criteria: Invitae Variant Classification Sherloc (09022015). Collection method: clinical testing. Allele origin: germline.
Comment: This sequence change replaces valine, which is neutral and non-polar, with isoleucine, which is neutral and non-polar, at codon 167 of the ARNT2 protein (p.Val167Ile). This variant is present in population databases (rs200952843, gnomAD 0.1%). This variant has not been reported in the literature in individuals affected with ARNT2-related conditions. ClinVar contains an entry for this variant (Variation ID: 2270345). An algorithm developed to predict the effect of missense changes on protein structure and function (PolyPhen-2) suggests that this variant¬†is likely to be tolerated. In summary, the available evidence is currently insufficient to determine the role of this variant in disease. Therefore, it has been classified as a Variant of Uncertain Significance.

Ambry Genetics
Classification: Uncertain significance. Last evaluated: 2021-07-09. Review status: criteria provided, single submitter. Criteria: Ambry Variant Classification Scheme 2023. Collection method: clinical testing. Allele origin: germline.

NM_014862.4(ARNT2):c.499G>A (p.Val167Ile)

Gene: ARNT2 (aryl hydrocarbon receptor nuclear translocator 2; plus strand). Cytogenetic location: 15q25.1.
Variant type: single nucleotide variant.
Coding change: c.499G>A on transcript NM_014862.4 (MANE Select); coding-DNA position 499, G replaced by A.
Protein change: p.Val167Ile; replaces valine 167 with isoleucine.
Molecular consequence: missense variant.
Genome position (GRCh38, 1-based): chr15:80,475,100, G>A. VCF-style: chr15-80475100-G-A. GRCh37 (hg19) VCF-style: chr15-80767441-G-A.
Other names: short protein forms V167I.
Identifiers: ClinVar variation 2270345 (VCV002270345.3), dbSNP rs200952843, ClinGen allele CA7691720.